The following is an entry in ClinVar:

NM_015559.3(SETBP1):c.1827dup (p.Val610fs)

Gene: SETBP1 (SET binding protein 1; plus strand). Cytogenetic location: 18q12.3.
Variant type: Duplication.
Coding change: c.1827dup on transcript NM_015559.3 (MANE Select); coding-DNA position 1827, one base duplicated (C; older notation c.1827dupC).
Protein change: p.Val610fs; shifts the reading frame from valine 610.
Molecular consequence: frameshift variant.
Genome position (GRCh38, 1-based): chr18:44,951,167, C duplicated; the last of 4 consecutive C bases (chr18:44,951,164-44,951,167); duplicating any one gives the same sequence. VCF-style (leftmost placement, unchanged base first): chr18-44951163-G-GC. GRCh37 (hg19) VCF-style: chr18-42531128-G-GC.
Other names: short protein forms V610fs.
Identifiers: ClinVar variation 817764 (VCV000817764.1), dbSNP rs1599367236, ClinGen allele CA915952477.

ClinVar aggregate classification (germline): Pathogenic (1 of 4 stars; one submission).

Submission:

GeneDx
Classification: Pathogenic. Last evaluated: 2018-08-08. Review status: criteria provided, single submitter. Criteria: GeneDx Variant Classification (06012015). Collection method: clinical testing. Allele origin: germline. Affected: yes.
Comment: The c.1827dupC pathogenic variant in the SETBP1 gene causes a frameshift starting with codon Valine 610, changes this amino acid to an Arginine residue and creates a premature Stop codon at position 12 of the new reading frame, denoted p.Val610ArgfsX12. This pathogenic variant is predicted to cause loss of normal protein function either through protein truncation or nonsense-mediated mRNA decay. The c.1827dupC variant is not observed in large population cohorts (Lek et al., 2016).